The following is an entry in ClinVar:

ClinVar aggregate classification (germline): Uncertain significance (1 of 4 stars; one submission).

Conditions:
Inborn genetic diseases. Identifiers: MedGen C0950123, MeSH D030342.

Submission:

Ambry Genetics
Classification: Uncertain significance for Inborn genetic diseases. Last evaluated: 2020-01-15. Review status: criteria provided, single submitter. Criteria: Ambry Variant Classification Scheme 2023. Collection method: clinical testing. Allele origin: germline.
Comment: The p.C358F variant (also known as c.1073G>T), located in coding exon 6 of the SPG11 gene, results from a G to T substitution at nucleotide position 1073. The cysteine at codon 358 is replaced by phenylalanine, an amino acid with highly dissimilar properties. This amino acid position is poorly conserved in available vertebrate species. In addition, this alteration is predicted to be tolerated by in silico analysis. Since supporting evidence is limited at this time, the clinical significance of this alteration remains unclear.

NM_025137.4(SPG11):c.1073G>T (p.Cys358Phe)

Gene: SPG11 (SPG11 vesicle trafficking associated, spatacsin; minus strand). Cytogenetic location: 15q21.1.
Variant type: single nucleotide variant.
Coding change: c.1073G>T on transcript NM_025137.4 (MANE Select); coding-DNA position 1073, G replaced by T.
Protein change: p.Cys358Phe; replaces cysteine 358 with phenylalanine.
Molecular consequence: missense variant.
Genome position (GRCh38, 1-based): chr15:44,651,874, C>A on the plus strand (G>T on the coding strand, the complement: SPG11 is on the minus strand). VCF-style: chr15-44651874-C-A. GRCh37 (hg19) VCF-style: chr15-44944072-C-A.
Other names: c.1073G>T, p.Cys358Phe (NM_001160227.2, NM_001411132.1); short protein forms C358F.
Identifiers: ClinVar variation 1784204 (VCV001784204.2), dbSNP rs548536926, ClinGen allele CA392236652.